The following is an entry in ClinVar:

NM_001478.5(B4GALNT1):c.1317C>A (p.Phe439Leu)

Gene: B4GALNT1 (beta-1,4-N-acetyl-galactosaminyltransferase 1; minus strand). Cytogenetic location: 12q13.3.
Variant type: single nucleotide variant.
Coding change: c.1317C>A on transcript NM_001478.5 (MANE Select); coding-DNA position 1317, C replaced by A.
Protein change: p.Phe439Leu; replaces phenylalanine 439 with leucine.
Molecular consequence: missense variant.
Genome position (GRCh38, 1-based): chr12:57,627,685, G>T on the plus strand (C>A on the coding strand, the complement: B4GALNT1 is on the minus strand). VCF-style: chr12-57627685-G-T. GRCh37 (hg19) VCF-style: chr12-58021468-G-T.
Other names: c.1152C>A, p.Phe384Leu (NM_001276468.2); short protein forms F384L, F439L.
Identifiers: ClinVar variation 1713576 (VCV001713576.5), dbSNP rs2540646375, ClinGen allele CA385494184.
Genomic context (GRCh38, chr12:57,627,685, plus strand): 5'-AGCCACGCGGCTGAGGCGGGGGTCGAAACCGACCTCGCGCACCTTGTCAGTCCGCGCCAG[G>T]AAGAAGTTAACCACGCCGTCGGTGACCACGCAGCCTGGGAAGCCGACGAGCTCGTGGTGG-3'
Protein context (NP_001469.1, residues 429-449): CVVTDGVVNF[Phe439Leu]LARTDKVREV

ClinVar aggregate classification (germline): Uncertain significance (1 of 4 stars; one submission).

Conditions:
Spastic paraplegia. Identifiers: MedGen C0037772, HP:0001258.

Submission:

Labcorp Genetics (formerly Invitae), Labcorp
Classification: Uncertain significance for Spastic paraplegia. Last evaluated: 2022-07-23. Review status: criteria provided, single submitter. Criteria: Invitae Variant Classification Sherloc (09022015). Collection method: clinical testing. Allele origin: germline.
Comment: In summary, the available evidence is currently insufficient to determine the role of this variant in disease. Therefore, it has been classified as a Variant of Uncertain Significance. Algorithms developed to predict the effect of missense changes on protein structure and function are either unavailable or do not agree on the potential impact of this missense change (SIFT: "Deleterious"; PolyPhen-2: "Probably Damaging"; Align-GVGD: "Class C15"). This variant has not been reported in the literature in individuals affected with B4GALNT1-related conditions. This variant is not present in population databases (gnomAD no frequency). This sequence change replaces phenylalanine, which is neutral and non-polar, with leucine, which is neutral and non-polar, at codon 439 of the B4GALNT1 protein (p.Phe439Leu).